The following is an entry in ClinVar:

NM_016616.5(NME8):c.1543G>A (p.Val515Met)

Gene: NME8 (NME/NM23 family member 8; plus strand). Cytogenetic location: 7p14.1.
Variant type: single nucleotide variant.
Coding change: c.1543G>A on transcript NM_016616.5 (MANE Select); coding-DNA position 1543, G replaced by A.
Protein change: p.Val515Met; replaces valine 515 with methionine.
Molecular consequence: missense variant.
Genome position (GRCh38, 1-based): chr7:37,894,609, G>A. VCF-style: chr7-37894609-G-A. GRCh37 (hg19) VCF-style: chr7-37934211-G-A.
Other names: short protein forms V515M.
Identifiers: ClinVar variation 1774891 (VCV001774891.8), dbSNP rs754044934, ClinGen allele CA4222552.

ClinVar aggregate classification (germline): Uncertain significance. Review status: criteria provided, multiple submitters, no conflicts (2 of 4 stars). 2 submissions from 2 submitters: Uncertain significance (2). Last evaluated 2025-02-10.

Conditions:
Primary ciliary dyskinesia 6. Also called: Primary Ciliary Dyskinesia 6: TXNDC3-Related Primary Ciliary Dyskinesia. Identifiers: Orphanet 244, MedGen C1970506, MONDO:0012571, OMIM 610852.
Primary ciliary dyskinesia. Also called: Ciliary dyskinesia. Identifiers: Orphanet 244, MedGen C0008780, MONDO:0016575, HP:0012265.

Allele frequency attached by ClinVar (database versions not stated): gnomAD exomes 0.00001; ExAC 0.00002; TOPMed 0.00002; gnomAD 0.00003.
gnomAD v4.1: 23 of 1,586,112 alleles (0.0015%); highest among the groups gnomAD compares: Middle Eastern, 0.038%; no homozygotes.

Submissions (2):

Ambry Genetics
Classification: Uncertain significance for Primary ciliary dyskinesia. Last evaluated: 2025-02-10. Review status: criteria provided, single submitter. Criteria: Ambry Variant Classification Scheme 2023. Collection method: clinical testing. Allele origin: germline.

Labcorp Genetics (formerly Invitae), Labcorp
Classification: Uncertain significance for Primary ciliary dyskinesia 6. Last evaluated: 2024-11-27. Review status: criteria provided, single submitter. Criteria: Invitae Variant Classification Sherloc (09022015). Collection method: clinical testing. Allele origin: germline.
Comment: This sequence change replaces valine, which is neutral and non-polar, with methionine, which is neutral and non-polar, at codon 515 of the NME8 protein (p.Val515Met). The frequency data for this variant in the population databases is considered unreliable, as metrics indicate poor data quality at this position in the gnomAD database. This variant has not been reported in the literature in individuals affected with NME8-related conditions. ClinVar contains an entry for this variant (Variation ID: 1774891). An algorithm developed to predict the effect of missense changes on protein structure and function (PolyPhen-2) suggests that this variant is likely to be tolerated. In summary, the available evidence is currently insufficient to determine the role of this variant in disease. Therefore, it has been classified as a Variant of Uncertain Significance.